The following is an entry in ClinVar:

NM_000179.3(MSH6):c.14G>C (p.Ser5Thr)

Gene: MSH6 (mutS homolog 6; plus strand). Cytogenetic location: 2p16.3.
Variant type: single nucleotide variant.
Coding change: c.14G>C on transcript NM_000179.3 (MANE Select); coding-DNA position 14, G replaced by C.
Protein change: p.Ser5Thr; replaces serine 5 with threonine.
Molecular consequence: missense variant. On other transcripts: 5 prime UTR variant (8), non-coding transcript variant (5), intron variant (5).
Genome position (GRCh38, 1-based): chr2:47,783,247, G>C. VCF-style: chr2-47783247-G-C. GRCh37 (hg19) VCF-style: chr2-48010386-G-C.
Other names: c.14G>C, p.Ser5Thr (NM_001281492.2, NM_001406795.1, NM_001406796.1 and 9 more transcripts); c.-723G>C (NM_001281493.2, NM_001406811.1); c.-315G>C (NM_001406799.1); c.-42G>C (NM_001406804.1); c.-915G>C (NM_001406807.1); c.-570G>C (NM_001406812.1); c.-981G>C (NM_001406814.1); c.-526G>C (NM_001406816.1); and 3 more; short protein forms S5T.
Identifiers: ClinVar variation 2756414 (VCV002756414.5), dbSNP rs532585602, ClinGen allele CA067765.

ClinVar aggregate classification (germline): Conflicting classifications of pathogenicity. Review status: criteria provided, conflicting classifications (1 of 4 stars). 3 submissions from 3 submitters: Uncertain significance (2); Benign (1). Last evaluated 2026-04-14.

Conditions:
Mismatch repair cancer syndrome 3. Identifiers: MedGen C5436807, MONDO:0030841, OMIM 619097.
Endometrial carcinoma. Also called: Endometrial carcinoma, somatic. Identifiers: MedGen C0476089, MONDO:0002447, OMIM 608089, HP:0012114.
Lynch syndrome 5 (LYNCH5). Also called: Colorectal cancer, hereditary nonpolyposis, type 5; Hereditary non-polyposis colorectal cancer, type 5. Identifiers: Orphanet 144, MedGen C1833477, MONDO:0013710, OMIM 614350. Disease mechanism: loss of function.
Hereditary nonpolyposis colorectal neoplasms. Identifiers: MedGen C0009405, MeSH D003123.
Hereditary cancer-predisposing syndrome. Also called: Tumor predisposition; Hereditary neoplastic syndrome; Neoplastic Syndromes, Hereditary; Hereditary Cancer Syndrome. Identifiers: Orphanet 140162, MedGen C0027672, MeSH D009386, MONDO:0015356.

Allele frequency attached by ClinVar (database versions not stated): 1000 Genomes Project 0.00020; TOPMed below 0.00001; ExAC 0.00001; gnomAD 0.00001; 1000 Genomes Project 30x 0.00031.
gnomAD v4.1: 1 of 1,611,634 alleles (0.000062%); highest among the groups gnomAD compares: African/African-American, 0.0013%; no homozygotes.

Submissions (3):

Ambry Genetics
Classification: Uncertain significance for Hereditary cancer-predisposing syndrome. Last evaluated: 2026-04-14. Review status: criteria provided, single submitter. Criteria: Ambry Variant Classification Scheme 2023. Collection method: clinical testing. Allele origin: germline.
Comment: The p.S5T variant (also known as c.14G>C), located in coding exon 1 of the MSH6 gene, results from a G to C substitution at nucleotide position 14. The serine at codon 5 is replaced by threonine, an amino acid with similar properties. This amino acid position is well conserved in available vertebrate species. In addition, the in silico prediction for this alteration is inconclusive. Based on the available evidence, the clinical significance of this variant remains unclear.

Department of Pathology and Laboratory Medicine, Sinai Health System
Classification: Uncertain significance for Endometrial carcinoma; Lynch syndrome 5; Mismatch repair cancer syndrome 3. Last evaluated: 2024-10-11. Review status: criteria provided, single submitter. Criteria: ACMG Guidelines, 2015. Collection method: clinical testing. Allele origin: germline.

Labcorp Genetics (formerly Invitae), Labcorp
Classification: Benign for Hereditary nonpolyposis colorectal neoplasms. Last evaluated: 2024-06-10. Review status: criteria provided, single submitter. Criteria: Invitae Variant Classification Sherloc (09022015). Collection method: clinical testing. Allele origin: germline.